The following is an entry in ClinVar:

NM_006182.4(DDR2):c.314G>A (p.Arg105His)

Gene: DDR2 (discoidin domain receptor tyrosine kinase 2; plus strand). Cytogenetic location: 1q23.3.
Variant type: single nucleotide variant.
Coding change: c.314G>A on transcript NM_006182.4 (MANE Select); coding-DNA position 314, G replaced by A.
Protein change: p.Arg105His; replaces arginine 105 with histidine.
Molecular consequence: missense variant.
Genome position (GRCh38, 1-based): chr1:162,754,752, G>A. VCF-style: chr1-162754752-G-A. GRCh37 (hg19) VCF-style: chr1-162724542-G-A.
Other names: c.314G>A, p.Arg105His (NM_001014796.3, NM_001354982.2, NM_001354983.2); short protein forms R105H.
Identifiers: ClinVar variation 4693662 (VCV004693662.1).

ClinVar aggregate classification (germline): Uncertain significance (1 of 4 stars; one submission).

gnomAD v4.1: 11 of 1,614,070 alleles (0.00068%); highest among the groups gnomAD compares: Non-Finnish European, 0.00093%; no homozygotes.

Submission:

Labcorp Genetics (formerly Invitae), Labcorp
Classification: Uncertain significance. Last evaluated: 2025-10-19. Review status: criteria provided, single submitter. Criteria: Invitae Variant Classification Sherloc (09022015). Collection method: clinical testing. Allele origin: germline.
Comment: This sequence change replaces arginine, which is basic and polar, with histidine, which is basic and polar, at codon 105 of the DDR2 protein (p.Arg105His). The frequency data for this variant in the population databases is considered unreliable, as metrics indicate poor data quality at this position in the gnomAD database. This variant has not been reported in the literature in individuals affected with DDR2-related conditions. An algorithm developed to predict the effect of missense changes on protein structure and function (PolyPhen-2) suggests that this variant is likely to be disruptive. In summary, the available evidence is currently insufficient to determine the role of this variant in disease. Therefore, it has been classified as a Variant of Uncertain Significance.